The following is an entry in ClinVar:

NM_207361.6(FREM2):c.181G>C (p.Ala61Pro)

Gene: FREM2 (FRAS1 related extracellular matrix 2; plus strand). Cytogenetic location: 13q13.3.
Variant type: single nucleotide variant.
Coding change: c.181G>C on transcript NM_207361.6 (MANE Select); coding-DNA position 181, G replaced by C.
Protein change: p.Ala61Pro; replaces alanine 61 with proline.
Molecular consequence: missense variant.
Genome position (GRCh38, 1-based): chr13:38,687,525, G>C. VCF-style: chr13-38687525-G-C. GRCh37 (hg19) VCF-style: chr13-39261662-G-C.
Other names: short protein forms A61P.
Identifiers: ClinVar variation 435262 (VCV000435262.15), dbSNP rs553605556, ClinGen allele CA6954166.

ClinVar aggregate classification (germline): Uncertain significance. Review status: criteria provided, multiple submitters, no conflicts (2 of 4 stars). 5 submissions from 5 submitters: Uncertain significance (5). Last evaluated 2024-08-06.

Conditions:
Inborn genetic diseases. Identifiers: MedGen C0950123, MeSH D030342.
Fraser syndrome 2 (FRASRS2). Identifiers: MedGen C4540036, MONDO:0054738, OMIM 617666.
Isolated cryptophthalmia. Also called: Cryptophthalmos, unilateral or bilateral, isolated; ANKYLOBLEPHARON, SIMPLE. Identifiers: Orphanet 91396, MedGen C1852453, MONDO:0007410, OMIM 123570.

Allele frequency attached by ClinVar (database versions not stated): gnomAD exomes 0.00008; ExAC 0.00011; 1000 Genomes Project 30x 0.00016; 1000 Genomes Project 0.00020; gnomAD 0.00032; TOPMed 0.00043.
gnomAD v4.1: 134 of 1,598,712 alleles (0.0084%); highest among the groups gnomAD compares: African/African-American, 0.16%; no homozygotes.

Submissions (5):

GeneDx
Classification: Uncertain significance. Last evaluated: 2024-08-06. Review status: criteria provided, single submitter. Criteria: GeneDx Variant Classification Process June 2021. Collection method: clinical testing. Allele origin: germline. Affected: yes.
Comment: In silico analysis indicates that this missense variant does not alter protein structure/function; Has not been previously published as pathogenic or benign to our knowledge

Ambry Genetics
Classification: Uncertain significance for Inborn genetic diseases. Last evaluated: 2024-03-20. Review status: criteria provided, single submitter. Criteria: Ambry Variant Classification Scheme 2023. Collection method: clinical testing. Allele origin: germline.

Fulgent Genetics
Classification: Uncertain significance for Isolated cryptophthalmia; Fraser syndrome 2. Last evaluated: 2024-02-15. Review status: criteria provided, single submitter. Criteria: ACMG Guidelines, 2015. Collection method: clinical testing. Allele origin: germline.

Eurofins Ntd Llc (ga)
Classification: Uncertain significance. Last evaluated: 2017-01-26. Review status: criteria provided, single submitter. Criteria: EGL Classification Definitions 2015. Collection method: clinical testing. Allele origin: germline. Observed: 1 variant allele, 1 heterozygote.

Genetic Services Laboratory, University of Chicago
Classification: Uncertain significance. Last evaluated: 2017-01-05. Review status: criteria provided, single submitter. Criteria: ACMG Guidelines, 2015. Collection method: clinical testing. Allele origin: germline. Affected: no.